The following is an entry in ClinVar:

NM_004415.4(DSP):c.5419C>T (p.Gln1807Ter)

Gene: DSP (desmoplakin; plus strand). Cytogenetic location: 6p24.3.
Variant type: single nucleotide variant.
Coding change: c.5419C>T on transcript NM_004415.4 (MANE Select); coding-DNA position 5419, C replaced by T.
Protein change: p.Gln1807Ter; replaces glutamine 1807 with a stop codon.
Molecular consequence: nonsense.
Genome position (GRCh38, 1-based): chr6:7,582,681, C>T. VCF-style: chr6-7582681-C-T. GRCh37 (hg19) VCF-style: chr6-7582914-C-T.
Other names: c.3622C>T, p.Gln1208Ter (NM_001008844.3); c.4090C>T, p.Gln1364Ter (NM_001319034.2); short protein forms Q1208*, Q1364*, Q1807*.
Identifiers: ClinVar variation 5019882 (VCV005019882.2).
Genomic context (GRCh38, chr6:7,582,681, plus strand): 5'-TTCTTTCTTCTTCAATTCCAGGCATCTAATAGGATTCAGGAATCAAAGAATCAGTGTACT[C>T]AGGTGGTACAGGAAAGAGAGAGCCTTCTGGTGAAAATCAAAGTCCTGGAGCAAGACAAGG-3'

ClinVar aggregate classification (germline): Likely pathogenic (1 of 4 stars; one submission).

Conditions:
Arrhythmogenic right ventricular dysplasia 8 (ARVD8). Also called: ARRHYTHMOGENIC RIGHT VENTRICULAR DYSPLASIA, FAMILIAL, 8; ARRHYTHMOGENIC RIGHT VENTRICULAR CARDIOMYOPATHY 8; Arrhythmogenic Right Ventricular Dysplasia/Cardiomyopathy 8. Identifiers: MedGen C1843896, MONDO:0011831, OMIM 607450.
Cardiomyopathy, dilated, with wooly hair, keratoderma, and tooth agenesis. Also called: Erythrokeratodermia-cardiomyopathy syndrome; Cardiomyopathy, dilated, with woolly hair, keratoderma, and tooth agenesis. Identifiers: Orphanet 476096, Orphanet 65282, MedGen C4014393, MONDO:0014355, OMIM 615821.

Submission:

Juno Genomics, Hangzhou Juno Genomics, Inc
Classification: Likely pathogenic for Arrhythmogenic right ventricular dysplasia 8; Cardiomyopathy, dilated, with wooly hair, keratoderma, and tooth agenesis. Review status: criteria provided, single submitter. Criteria: ACMG Guidelines, 2015. Collection method: clinical testing. Allele origin: germline.
Comment: Absent from controls (or at extremely low frequency if recessive) in Genome Aggregation Database.;Null variant in a gene where loss of function (LOF) is a known mechanism of disease.;The prevalence of the variant in affected individuals is significantly increased compared to the prevalence in controls.